The following is an entry in ClinVar:

ClinVar aggregate classification (germline): Benign (1 of 4 stars; one submission).

Conditions:
Colorectal cancer, hereditary nonpolyposis, type 7. Identifiers: Orphanet 144, MedGen C1858380, MONDO:0013725, OMIM 614385.

Submission:

Myriad Genetics, Inc.
Classification: Benign for Colorectal cancer, hereditary nonpolyposis, type 7. Last evaluated: 2026-09-16. Review status: criteria provided, single submitter. Criteria: Myriad Autosomal Dominant, Autosomal Recessive and X-Linked Classification Criteria (2023). Collection method: clinical testing. Allele origin: unknown.
Comment: This variant is considered benign. This variant is a silent/synonymous amino acid change and it is not expected to impact splicing.

NM_001040108.2(MLH3):c.2511T>C (p.Asp837=)

Gene: MLH3 (mutL homolog 3; minus strand). Cytogenetic location: 14q24.3.
Variant type: single nucleotide variant.
Coding change: c.2511T>C on transcript NM_001040108.2 (MANE Select); coding-DNA position 2511, T replaced by C.
Protein change: p.Asp837=; no amino-acid change (aspartic acid 837 retained).
Molecular consequence: synonymous variant.
Genome position (GRCh38, 1-based): chr14:75,047,145, A>G on the plus strand (T>C on the coding strand, the complement: MLH3 is on the minus strand). VCF-style: chr14-75047145-A-G. GRCh37 (hg19) VCF-style: chr14-75513848-A-G.
Other names: c.2511T>C, p.Asp837= (NM_014381.3).
Identifiers: ClinVar variation 5042265 (VCV005042265.1).